The following is an entry in ClinVar:

NM_006383.4(CIB2):c.199-125G>A

Gene: CIB2 (calcium and integrin binding family member 2; minus strand). Cytogenetic location: 15q25.1.
Variant type: single nucleotide variant.
Coding change: c.199-125G>A on transcript NM_006383.4 (MANE Select); 125 bases into the intron before coding-DNA position 199, G replaced by A.
Molecular consequence: intron variant. On other transcripts: nonsense (1).
Genome position (GRCh38, 1-based): chr15:78,109,507, C>T on the plus strand (G>A on the coding strand, the complement: CIB2 is on the minus strand). VCF-style: chr15-78109507-C-T. GRCh37 (hg19) VCF-style: chr15-78401849-C-T.
Other names: c.89G>A, p.Trp30Ter (NM_001301224.2); c.52-125G>A (NM_001271889.2); c.70-125G>A (NM_001271888.2); short protein forms W30*.
Identifiers: ClinVar variation 2635022 (VCV002635022.1), dbSNP rs758251566, ClinGen allele CA7680291.
Genomic context (GRCh38, chr15:78,109,507, plus strand): 5'-CTGTGGACAGCCTGTGTGACCCTGGAGGAGTGACCAAATCCCTCTGAGCCTCGGTTTCCC[C>T]ATCTGTAAAAAGGGAATAATAATAACACCTTCTTAATTGGGTTGTGATGGGATTAAATGA-3'

ClinVar aggregate classification (germline): Likely pathogenic (1 of 4 stars; one submission).

Conditions:
CIB2-related disorder. Also called: CIB2-related condition.

Allele frequency attached by ClinVar (database versions not stated): gnomAD exomes below 0.00001; TOPMed below 0.00001; gnomAD 0.00001; ExAC 0.00002.
gnomAD v4.1: 6 of 1,052,570 alleles (0.00057%); highest among the groups gnomAD compares: African/African-American, 0.0016%; no homozygotes.

Submission:

PreventionGenetics, part of Exact Sciences
Classification: Likely pathogenic for CIB2-related condition. Last evaluated: 2023-01-04. Review status: criteria provided, single submitter. Criteria: ACMG Guidelines, 2015. Collection method: clinical testing. Allele origin: germline.
Comment: The CIB2 c.89G>A variant is predicted to result in premature protein termination (p.Trp30*). To our knowledge, this variant has not been reported in the literature. This variant is reported in 0.0092% of alleles in individuals of African descent in gnomAD. Nonsense variants in CIB2 are expected to be pathogenic. This variant is interpreted as likely pathogenic.